The following is an entry in ClinVar:

ClinVar aggregate classification (germline): Uncertain significance. Review status: criteria provided, multiple submitters, no conflicts (2 of 4 stars). 2 submissions from 2 submitters: Uncertain significance (2). Last evaluated 2025-01-11.

Conditions:
Cataract 1 multiple types. Also called: CATARACT, DUFFY-LINKED; CATARACT 1, NUCLEAR PROGRESSIVE; CATARACT 1 WITH MICROCORNEA; CATARACT 1, POSTERIOR SUBCAPSULAR, WITH MICROCORNEA; CATARACT 1, STELLATE NUCLEAR, WITH MICROCORNEA; CATARACT 1, MULTIPLE TYPES, WITH OR WITHOUT MICROCORNEA. Identifiers: Orphanet 1377, MedGen C1861828, MONDO:0007285, OMIM 116200.

Allele frequency attached by ClinVar (database versions not stated): ExAC 0.00011; 1000 Genomes Project 30x 0.00016; 1000 Genomes Project 0.00020.
gnomAD v4.1: 146 of 1,606,516 alleles (0.0091%); highest among the groups gnomAD compares: Middle Eastern, 0.017%; no homozygotes.

Submissions (2):

Labcorp Genetics (formerly Invitae), Labcorp
Classification: Uncertain significance for Cataract 1 multiple types. Last evaluated: 2025-01-11. Review status: criteria provided, single submitter. Criteria: Invitae Variant Classification Sherloc (09022015). Collection method: clinical testing. Allele origin: germline.
Comment: This sequence change replaces glycine, which is neutral and non-polar, with arginine, which is basic and polar, at codon 333 of the GJA8 protein (p.Gly333Arg). This variant is present in population databases (rs587600450, gnomAD 0.02%). This missense change has been observed in individual(s) with GJA8-related conditions (PMID: 29464339). ClinVar contains an entry for this variant (Variation ID: 3253676). Invitae Evidence Modeling of protein sequence and biophysical properties (such as structural, functional, and spatial information, amino acid conservation, physicochemical variation, residue mobility, and thermodynamic stability) indicates that this missense variant is not expected to disrupt GJA8 protein function with a negative predictive value of 95%. In summary, the available evidence is currently insufficient to determine the role of this variant in disease. Therefore, it has been classified as a Variant of Uncertain Significance.

Dept. Genetics and Cancer, Menzies Institute for Medical Research, University of Tasmania
Classification: Uncertain significance for Cataract 1 multiple types. Last evaluated: 2023-01-21. Review status: criteria provided, single submitter. Criteria: ACMG Guidelines, 2015. Collection method: curation. Allele origin: germline. Affected: no.
Comment: Variant identified and curated during a GJA8 specific review of the literature in relation to pediatric or congenital cataract. ACMG-AMP criteria applied: PM2(Supporting), BP4. Original variant report: PMID:29464339. Proband reported with this variant has no cataract, microphthalmia and coloboma. Gene review and curation guidelines are outlined in: DOI 10.1080/17469899.2023.2160320

Literature cited by the submitters: PubMed 29464339 (cited by Labcorp Genetics (formerly Invitae), Labcorp and Dept. Genetics and Cancer, Menzies Institute for Medical Research, University of Tasmania).

NM_005267.5(GJA8):c.997G>C (p.Gly333Arg)

Gene: GJA8 (gap junction protein alpha 8; plus strand). Cytogenetic location: 1q21.2.
Variant type: single nucleotide variant.
Coding change: c.997G>C on transcript NM_005267.5 (MANE Select); coding-DNA position 997, G replaced by C.
Protein change: p.Gly333Arg; replaces glycine 333 with arginine.
Molecular consequence: missense variant.
Genome position (GRCh38, 1-based): chr1:147,908,952, G>C. VCF-style: chr1-147908952-G-C. GRCh37 (hg19) VCF-style: chr1-147381079-G-C.
Other names: short protein forms G333R.
Identifiers: ClinVar variation 3253676 (VCV003253676.3), dbSNP rs587600450.